The following is an entry in ClinVar:

NM_006031.6(PCNT):c.8368C>G (p.Leu2790Val)

Gene: PCNT (pericentrin; plus strand). Cytogenetic location: 21q22.3.
Variant type: single nucleotide variant.
Coding change: c.8368C>G on transcript NM_006031.6 (MANE Select); coding-DNA position 8368, C replaced by G.
Protein change: p.Leu2790Val; replaces leucine 2790 with valine.
Molecular consequence: missense variant.
Genome position (GRCh38, 1-based): chr21:46,431,832, C>G. VCF-style: chr21-46431832-C-G. GRCh37 (hg19) VCF-style: chr21-47851746-C-G.
Other names: c.8014C>G, p.Leu2672Val (NM_001315529.2); short protein forms L2790V, L2672V.
Identifiers: ClinVar variation 4985402 (VCV004985402.1).
Genomic context (GRCh38, chr21:46,431,832, plus strand): 5'-CAGCTGAGCCAGAGGACACAGGAGGCTTGCGTGCACCAGGACACACAGGCCCATCACGCT[C>G]TGCTGCAGAAGCTGAAGGAGGAGAAGTCCCGGGTGGTGGACTTGCAAGCGATGCTTGAAA-3'
Protein context (NP_006022.3, residues 2780-2800): VHQDTQAHHA[Leu2790Val]LQKLKEEKSR

ClinVar aggregate classification (germline): Uncertain significance (1 of 4 stars; one submission).

Conditions:
PCNT-related disorder. Also called: PCNT-related condition.

Submission:

PreventionGenetics, part of Exact Sciences
Classification: Uncertain significance for PCNT-related condition. Last evaluated: 2025-06-23. Review status: criteria provided, single submitter. Criteria: ACMG Guidelines, 2015. Collection method: clinical testing. Allele origin: germline.
Comment: The PCNT c.8368C>G variant is predicted to result in the amino acid substitution p.Leu2790Val. To our knowledge, this variant has not been reported in the literature or in a large population database (gnomAD), indicating this variant is rare. At this time, the clinical significance of this variant is uncertain due to the absence of conclusive functional and genetic evidence.